The following is an entry in ClinVar:

ClinVar aggregate classification (germline): Uncertain significance. Review status: criteria provided, single submitter (1 of 4 stars). 2 submissions from 2 submitters: Uncertain significance (1). 1 of the submissions does not count toward it. Last evaluated 2022-09-06.

Conditions:
Nemaline myopathy 2 (NEM2). Also called: Nemaline myopathy 2, autosomal recessive. Identifiers: MedGen C1850569, MONDO:0009725, OMIM 256030.

Allele frequency attached by ClinVar (database versions not stated): TOPMed below 0.00001.

Submissions (2):

Labcorp Genetics (formerly Invitae), Labcorp
Classification: Uncertain significance for Nemaline myopathy 2. Last evaluated: 2022-09-06. Review status: criteria provided, single submitter. Criteria: Invitae Variant Classification Sherloc (09022015). Collection method: clinical testing. Allele origin: germline.
Comment: This sequence change replaces aspartic acid, which is acidic and polar, with glycine, which is neutral and non-polar, at codon 2930 of the NEB protein (p.Asp2930Gly). This variant is not present in population databases (gnomAD no frequency). This variant has not been reported in the literature in individuals affected with NEB-related conditions. ClinVar contains an entry for this variant (Variation ID: 955326). Algorithms developed to predict the effect of missense changes on protein structure and function are either unavailable or do not agree on the potential impact of this missense change (SIFT: "Deleterious"; PolyPhen-2: "Not Available"; Align-GVGD: "Class C0"). Algorithms developed to predict the effect of sequence changes on RNA splicing suggest that this variant may create or strengthen a splice site. In summary, the available evidence is currently insufficient to determine the role of this variant in disease. Therefore, it has been classified as a Variant of Uncertain Significance.

Natera, Inc.
Classification: Uncertain significance for Nemaline myopathy type 2. Last evaluated: 2021-02-17. Review status: no assertion criteria provided. Collection method: clinical testing. Allele origin: germline. Not counted in ClinVar's aggregate classification.

NM_001164508.2(NEB):c.8789A>G (p.Asp2930Gly)

Gene: NEB (nebulin; minus strand). Cytogenetic location: 2q23.3.
Variant type: single nucleotide variant.
Coding change: c.8789A>G on transcript NM_001164508.2 (MANE Select); coding-DNA position 8789, A replaced by G.
Protein change: p.Asp2930Gly; replaces aspartic acid 2930 with glycine.
Molecular consequence: missense variant.
Genome position (GRCh38, 1-based): chr2:151,639,957, T>C on the plus strand (A>G on the coding strand, the complement: NEB is on the minus strand). VCF-style: chr2-151639957-T-C. GRCh37 (hg19) VCF-style: chr2-152496471-T-C.
Other names: c.8789A>G, p.Asp2930Gly (NM_001164507.2, NM_001271208.2, NM_004543.5); short protein forms D2930G.
Identifiers: ClinVar variation 955326 (VCV000955326.11), dbSNP rs979095688, ClinGen allele CA57664324.